The following is an entry in ClinVar:

ClinVar aggregate classification (germline): Benign. Review status: criteria provided, multiple submitters, no conflicts (2 of 4 stars). 2 submissions from 2 submitters: Benign (2). Last evaluated 2018-06-14.

Conditions:
Maturity-onset diabetes of the young (MODY). Also called: Maturity onset diabetes mellitus in young. Identifiers: Orphanet 552, MedGen C0342276, MONDO:0018911, HP:0004904.

Allele frequency attached by ClinVar (database versions not stated): TOPMed 0.27276; gnomAD 0.27502 and 0.28341; 1000 Genomes Project 30x 0.29513; 1000 Genomes Project 0.30411.
gnomAD v4.1: 43,227 of 152,100 alleles (28%); highest among the groups gnomAD compares: Middle Eastern, 51%; 6,921 homozygotes.

Submissions (2):

GeneDx
Classification: Benign. Last evaluated: 2018-06-14. Review status: criteria provided, single submitter. Criteria: GeneDx Variant Classification (06012015). Collection method: clinical testing. Allele origin: germline. Affected: yes.
Comment: This variant is considered likely benign or benign based on one or more of the following criteria: it is a conservative change, it occurs at a poorly conserved position in the protein, it is predicted to be benign by multiple in silico algorithms, and/or has population frequency not consistent with disease.

Clinical Genomics, Uppaluri K&H Personalized Medicine Clinic
Classification: Benign for Maturity-onset diabetes of the young. Review status: criteria provided, single submitter. Criteria: K & H Uppaluri Personalized Medicine Clinic Variant Classification & Assertion Criteria_Updated V.1. Collection method: research. Allele origin: unknown. Inheritance: Autosomal dominant inheritance.
Comment: Mutations in HNF1A gene can predispose to MODY3. It is associated with both micro and macrovascular complications of diabetes, especially cardiovascular complications. Associated with glucosuria. May respond well to sulfonylureas. However, more evidence is required to confer the association of this particular variant rs1169292 with MODY3.

Literature cited by the submitters: PubMed 31517624 (cited by Clinical Genomics, Uppaluri K&H Personalized Medicine Clinic); PubMed 32395877 (cited by Clinical Genomics, Uppaluri K&H Personalized Medicine Clinic); PubMed 35328643 (cited by Clinical Genomics, Uppaluri K&H Personalized Medicine Clinic); PubMed 35673428 (cited by Clinical Genomics, Uppaluri K&H Personalized Medicine Clinic).

NM_000545.8(HNF1A):c.327-158C>T

Gene: HNF1A (HNF1 homeobox A; plus strand). Cytogenetic location: 12q24.31.
Variant type: single nucleotide variant.
Coding change: c.327-158C>T on transcript NM_000545.8 (MANE Select); 158 bases into the intron before coding-DNA position 327, C replaced by T.
Molecular consequence: intron variant.
Genome position (GRCh38, 1-based): chr12:120,988,675, C>T. VCF-style: chr12-120988675-C-T. GRCh37 (hg19) VCF-style: chr12-121426478-C-T.
Other names: c.327-158C>T (NM_001306179.2).
Identifiers: ClinVar variation 676864 (VCV000676864.2), dbSNP rs1169292, ClinGen allele CA13697989.